The following is an entry in ClinVar:

NM_001164508.2(NEB):c.17404AAG[1] (p.Lys5803del)

Gene: NEB (nebulin; minus strand). Cytogenetic location: 2q23.3.
Variant type: Microsatellite.
Coding change: c.17404AAG[1] on transcript NM_001164508.2 (MANE Select); one copy of the 3-base unit AAG starting at c.17404; the reference has two copies in a row; one copy, 3 bases deleted.
Protein change: p.Lys5803del; deletes lysine 5803.
Molecular consequence: inframe deletion.
Genome position (GRCh38, 1-based): chr2:151,570,102-151,570,104, CTT deleted on the plus strand (AAG on the coding strand, the reverse complement: NEB is on the minus strand); deleting any 3 consecutive bases within chr2:151,570,102-151,570,107 gives the same sequence; the position shown is the placement nearest the transcript's 3' end. VCF-style (leftmost placement, unchanged base first): chr2-151570101-CCTT-C. GRCh37 (hg19) VCF-style: chr2-152426615-CCTT-C.
Other names: c.17404AAG[1], p.Lys5803del (NM_001164507.2, NM_001271208.2); c.12301AAG[1], p.Lys4102del (NM_004543.5); c.17407_17409del (NM_001271208.2); short protein forms K5803del, K4102del.
Identifiers: ClinVar variation 465502 (VCV000465502.10), dbSNP rs1553787578, ClinGen allele CA658657085.

ClinVar aggregate classification (germline): Uncertain significance. Review status: criteria provided, single submitter (1 of 4 stars). 2 submissions from 2 submitters: Uncertain significance (1). 1 of the submissions does not count toward it. Last evaluated 2022-07-19.

Conditions:
Nemaline myopathy 2 (NEM2). Also called: Nemaline myopathy 2, autosomal recessive. Identifiers: MedGen C1850569, MONDO:0009725, OMIM 256030.

Submissions (2):

Labcorp Genetics (formerly Invitae), Labcorp
Classification: Uncertain significance for Nemaline myopathy 2. Last evaluated: 2022-07-19. Review status: criteria provided, single submitter. Criteria: Invitae Variant Classification Sherloc (09022015). Collection method: clinical testing. Allele origin: germline.
Comment: This variant, c.17407_17409del, results in the deletion of 1 amino acid(s) of the NEB protein (p.Lys5803del), but otherwise preserves the integrity of the reading frame. This variant is not present in population databases (gnomAD no frequency). This variant has not been reported in the literature in individuals affected with NEB-related conditions. ClinVar contains an entry for this variant (Variation ID: 465502). Experimental studies and prediction algorithms are not available or were not evaluated, and the functional significance of this variant is currently unknown. In summary, the available evidence is currently insufficient to determine the role of this variant in disease. Therefore, it has been classified as a Variant of Uncertain Significance.

Natera, Inc.
Classification: Uncertain significance for Nemaline myopathy type 2. Last evaluated: 2020-12-22. Review status: no assertion criteria provided. Collection method: clinical testing. Allele origin: germline. Not counted in ClinVar's aggregate classification.